The following is an entry in ClinVar:

ClinVar aggregate classification (germline): Likely pathogenic (1 of 4 stars; one submission).

Conditions:
ZNF496-related disorder.

Submission:

3billion
Classification: Likely pathogenic for ZNF496-related disorder. Last evaluated: 2026-01-06. Review status: criteria provided, single submitter. Criteria: ACMG Guidelines, 2015. Collection method: clinical testing. Allele origin: germline. Affected: yes.
Comment: The variant is not observed in the gnomAD v4.1.0 dataset. Predicted Consequence/Location: Canonical splice site: predicted to alter splicing and result in a loss or disruption of normal protein function. Multiple pathogenic loss-of-function variants are reported downstream of the variant. In silico tools predict the variant to alter splicing and produce an abnormal transcript [SpliceAI: 0.79 (spliceogenicity >=0.2, non-spliceogenicity <0.1)]. Therefore, this variant is classified as Likely pathogenic according to the recommendation of ACMG/AMP guideline.

NM_032752.3(ZNF496):c.651+1G>A

Gene: ZNF496 (zinc finger protein 496; minus strand). Cytogenetic location: 1q44.
Variant type: single nucleotide variant.
Coding change: c.651+1G>A on transcript NM_032752.3 (MANE Select); the canonical splice donor site of the intron after coding-DNA position 651, G replaced by A.
Molecular consequence: splice donor variant.
Genome position (GRCh38, 1-based): chr1:247,323,153, C>T on the plus strand (G>A on the coding strand, the complement: ZNF496 is on the minus strand). VCF-style: chr1-247323153-C-T. GRCh37 (hg19) VCF-style: chr1-247486455-C-T.
Other names: c.651+1G>A (NM_001329733.2).
Identifiers: ClinVar variation 4854239 (VCV004854239.1).